The following is an entry in ClinVar:

NM_078480.3(PUF60):c.1606T>A (p.Trp536Arg)

Gene: PUF60 (poly(U) binding splicing factor 60; minus strand). Cytogenetic location: 8q24.3.
Variant type: single nucleotide variant.
Coding change: c.1606T>A on transcript NM_078480.3 (MANE Select); coding-DNA position 1606, T replaced by A.
Protein change: p.Trp536Arg; replaces tryptophan 536 with arginine.
Molecular consequence: missense variant.
Genome position (GRCh38, 1-based): chr8:143,816,594, A>T on the plus strand (T>A on the coding strand, the complement: PUF60 is on the minus strand). VCF-style: chr8-143816594-A-T. GRCh37 (hg19) VCF-style: chr8-144898764-A-T.
Other names: c.1477T>A, p.Trp493Arg (NM_001136033.3); c.1552T>A, p.Trp518Arg (NM_001271096.2); c.1468T>A, p.Trp490Arg (NM_001271097.2); c.1603T>A, p.Trp535Arg (NM_001271098.2); c.1519T>A, p.Trp507Arg (NM_001271099.2); c.1426T>A, p.Trp476Arg (NM_001271100.2); c.1717T>A, p.Trp573Arg (NM_001362895.2, NM_001362896.2); c.1666T>A, p.Trp556Arg (NM_001362897.2); and 1 more; short protein forms W476R, W490R, W493R, W507R, W518R, W519R, W535R, W536R.
Identifiers: ClinVar variation 2502036 (VCV002502036.1), dbSNP rs2538841781, ClinGen allele CA372484831.

ClinVar aggregate classification (germline): Uncertain significance (1 of 4 stars; one submission).

Submission:

GeneDx
Classification: Uncertain significance. Last evaluated: 2022-11-10. Review status: criteria provided, single submitter. Criteria: GeneDx Variant Classification Process June 2021. Collection method: clinical testing. Allele origin: germline. Affected: yes.
Comment: Not observed at significant frequency in large population cohorts (gnomAD); In silico analysis supports that this missense variant has a deleterious effect on protein structure/function; Has not been previously published as pathogenic or benign to our knowledge